The following is an entry in ClinVar:

NM_144573.4(NEXN):c.906T>A (p.Phe302Leu)

Gene: NEXN (nexilin F-actin binding protein; plus strand). Cytogenetic location: 1p31.1.
Variant type: single nucleotide variant.
Coding change: c.906T>A on transcript NM_144573.4 (MANE Select); coding-DNA position 906, T replaced by A.
Protein change: p.Phe302Leu; replaces phenylalanine 302 with leucine.
Molecular consequence: missense variant.
Genome position (GRCh38, 1-based): chr1:77,929,357, T>A. VCF-style: chr1-77929357-T-A. GRCh37 (hg19) VCF-style: chr1-78395042-T-A.
Other names: c.714T>A, p.Phe238Leu (NM_001172309.2); short protein forms F302L, F238L.
Identifiers: ClinVar variation 618247 (VCV000618247.22), dbSNP rs767740199, ClinGen allele CA918776.
Genomic context (GRCh38, chr1:77,929,357, plus strand): 5'-GAATTGTTTATTTGGTTAGGTAAATGAAGATGAGGAAAACCAAGACACAGCAAAAATTTT[T>A]AAAGGGTACCGCCCTGGTAAACTCAAACTCAGTTTTGAAGAAATGGAAAGGCAAAGAAGA-3'
Protein context (NP_653174.3, residues 292-312): DEENQDTAKI[Phe302Leu]KGYRPGKLKL

ClinVar aggregate classification (germline): Uncertain significance. Review status: criteria provided, multiple submitters, no conflicts (2 of 4 stars). 6 submissions from 6 submitters: Uncertain significance (6). Last evaluated 2025-04-24.

Conditions:
Cardiovascular phenotype. Identifiers: MedGen CN230736.
Hypertrophic cardiomyopathy 20. Identifiers: MedGen C3151267, MONDO:0013477, OMIM 613876.
Dilated cardiomyopathy 1CC (CMD1CC). Identifiers: Orphanet 154, MedGen C2751084, MONDO:0013147, OMIM 613122.
Cardiomyopathy (CMYO). Also called: Cardiomyopathies. Identifiers: Orphanet 167848, MedGen C0878544, MONDO:0004994, HP:0001638. Inheritance: Various modes of inheritance.

Allele frequency attached by ClinVar (database versions not stated): gnomAD 0.00001; gnomAD exomes 0.00001 and 0.00002; ExAC 0.00002; TOPMed 0.00002.
gnomAD v4.1: 7 of 1,613,568 alleles (0.00043%); highest among the groups gnomAD compares: Admixed American, 0.012%; no homozygotes.

Submissions (6):

Ambry Genetics
Classification: Uncertain significance for Cardiovascular phenotype. Last evaluated: 2025-04-24. Review status: criteria provided, single submitter. Criteria: Ambry Variant Classification Scheme 2023. Collection method: clinical testing. Allele origin: germline.
Comment: The p.F302L variant (also known as c.906T>A), located in coding exon 8 of the NEXN gene, results from a T to A substitution at nucleotide position 906. The phenylalanine at codon 302 is replaced by leucine, an amino acid with highly similar properties. This amino acid position is conserved. In addition, this alteration is predicted to be tolerated by in silico analysis. Since supporting evidence is limited at this time, the clinical significance of this alteration remains unclear.

Labcorp Genetics (formerly Invitae), Labcorp
Classification: Uncertain significance for Dilated cardiomyopathy 1CC; Hypertrophic cardiomyopathy 20. Last evaluated: 2022-11-08. Review status: criteria provided, single submitter. Criteria: Invitae Variant Classification Sherloc (09022015). Collection method: clinical testing. Allele origin: germline.
Comment: This variant is present in population databases (rs767740199, gnomAD 0.01%). This sequence change replaces phenylalanine, which is neutral and non-polar, with leucine, which is neutral and non-polar, at codon 302 of the NEXN protein (p.Phe302Leu). This variant has not been reported in the literature in individuals affected with NEXN-related conditions. In summary, the available evidence is currently insufficient to determine the role of this variant in disease. Therefore, it has been classified as a Variant of Uncertain Significance. Advanced modeling of protein sequence and biophysical properties (such as structural, functional, and spatial information, amino acid conservation, physicochemical variation, residue mobility, and thermodynamic stability) performed at Invitae indicates that this missense variant is not expected to disrupt NEXN protein function. ClinVar contains an entry for this variant (Variation ID: 618247).

Fulgent Genetics
Classification: Uncertain significance for Dilated cardiomyopathy 1CC; Hypertrophic cardiomyopathy 20. Last evaluated: 2021-09-08. Review status: criteria provided, single submitter. Criteria: ACMG Guidelines, 2015. Collection method: clinical testing. Allele origin: unknown.

CHEO Genetics Diagnostic Laboratory, Children's Hospital of Eastern Ontario
Classification: Uncertain significance for Cardiomyopathy. Last evaluated: 2021-01-28. Review status: criteria provided, single submitter. Criteria: ACMG Guidelines, 2015. Collection method: clinical testing. Allele origin: germline.

Revvity Omics, Revvity
Classification: Uncertain significance. Last evaluated: 2019-08-06. Review status: criteria provided, single submitter. Criteria: ACMG Guidelines, 2015. Collection method: clinical testing. Allele origin: germline.

ARUP Laboratories, Molecular Genetics and Genomics, ARUP Laboratories
Classification: Uncertain significance. Last evaluated: 2017-06-08. Review status: criteria provided, single submitter. Criteria: ARUP Molecular Germline Variant Investigation Process. Collection method: clinical testing. Allele origin: germline.
Comment: The p.Phe302Leu variant (rs767740199) has not been reported in the medical literature, is not listed in gene-specific variant databases, nor has it been previously identified in our laboratory. It is listed in the Genome Aggregation Database (gnomAD) browser with a frequency in Latino populations of 0.012% (identified in 4 out of 33,544 chromosomes). The phenylalanine at codon 302 is moderately conserved considering 10 species (Alamut software v2.9), and computational analyses suggest this variant does not have a significant effect on NEXN protein structure/function (SIFT: tolerated, PolyPhen2: benign, and Mutation Taster: polymorphism). However, based on the available information, the clinical significance of the p.Phe302Leu variant cannot be determined with certainty.